The following is an entry in ClinVar:

NM_021813.4(BACH2):c.856G>A (p.Glu286Lys)

Gene: BACH2 (BACH transcriptional regulator 2; minus strand). Cytogenetic location: 6q15.
Variant type: single nucleotide variant.
Coding change: c.856G>A on transcript NM_021813.4 (MANE Select); coding-DNA position 856, G replaced by A.
Protein change: p.Glu286Lys; replaces glutamic acid 286 with lysine.
Molecular consequence: missense variant.
Genome position (GRCh38, 1-based): chr6:89,951,250, C>T on the plus strand (G>A on the coding strand, the complement: BACH2 is on the minus strand). VCF-style: chr6-89951250-C-T. GRCh37 (hg19) VCF-style: chr6-90660969-C-T.
Other names: c.856G>A, p.Glu286Lys (NM_001170794.2); short protein forms E286K.
Identifiers: ClinVar variation 3009234 (VCV003009234.3), dbSNP rs763634877, ClinGen allele CA3928097.

ClinVar aggregate classification (germline): Uncertain significance (1 of 4 stars; one submission).

Allele frequency attached by ClinVar (database versions not stated): gnomAD exomes below 0.00001; ExAC 0.00001.
gnomAD v4.1: 5 of 1,614,188 alleles (0.00031%); highest among the groups gnomAD compares: Admixed American, 0.0033%; no homozygotes.

Submission:

Labcorp Genetics (formerly Invitae), Labcorp
Classification: Uncertain significance. Last evaluated: 2025-12-17. Review status: criteria provided, single submitter. Criteria: Invitae Variant Classification Sherloc (09022015). Collection method: clinical testing. Allele origin: germline.
Comment: This sequence change replaces glutamic acid, which is acidic and polar, with lysine, which is basic and polar, at codon 286 of the BACH2 protein (p.Glu286Lys). This variant is present in population databases (rs763634877, gnomAD 0.003%). This variant has not been reported in the literature in individuals affected with BACH2-related conditions. ClinVar contains an entry for this variant (Variation ID: 3009234). Invitae Evidence Modeling of protein sequence and biophysical properties (such as structural, functional, and spatial information, amino acid conservation, physicochemical variation, residue mobility, and thermodynamic stability) indicates that this missense variant is not expected to disrupt BACH2 protein function with a negative predictive value of 80%. In summary, the available evidence is currently insufficient to determine the role of this variant in disease. Therefore, it has been classified as a Variant of Uncertain Significance.